The following is an entry in ClinVar:

ClinVar aggregate classification (germline): Uncertain significance (1 of 4 stars; one submission).

Conditions:
Cardiovascular phenotype. Identifiers: MedGen CN230736.

Allele frequency attached by ClinVar (database versions not stated): gnomAD 0.00001.
gnomAD v4.1: 1 of 1,613,128 alleles (0.000062%); highest among the groups gnomAD compares: African/African-American, 0.0013%; no homozygotes.

Submission:

Ambry Genetics
Classification: Uncertain significance for Cardiovascular phenotype. Last evaluated: 2025-12-02. Review status: criteria provided, single submitter. Criteria: Ambry Variant Classification Scheme 2023. Collection method: clinical testing. Allele origin: germline.
Comment: The p.A184S variant (also known as c.550G>T), located in coding exon 4 of the GATAD1 gene, results from a G to T substitution at nucleotide position 550. The alanine at codon 184 is replaced by serine, an amino acid with similar properties. This amino acid position is well conserved in available vertebrate species. In addition, the in silico prediction for this alteration is inconclusive. Since supporting evidence is limited at this time, the clinical significance of this alteration remains unclear.

NM_021167.5(GATAD1):c.550G>T (p.Ala184Ser)

Gene: GATAD1 (GATA zinc finger domain containing 1; plus strand). Cytogenetic location: 7q21.2.
Variant type: single nucleotide variant.
Coding change: c.550G>T on transcript NM_021167.5 (MANE Select); coding-DNA position 550, G replaced by T.
Protein change: p.Ala184Ser; replaces alanine 184 with serine.
Molecular consequence: missense variant. On other transcripts: non-coding transcript variant (1).
Genome position (GRCh38, 1-based): chr7:92,454,616, G>T. VCF-style: chr7-92454616-G-T. GRCh37 (hg19) VCF-style: chr7-92083930-G-T.
Other names: short protein forms A184S.
Identifiers: ClinVar variation 1748026 (VCV001748026.3), dbSNP rs1017952508, ClinGen allele CA161964323.